The following is an entry in ClinVar:

NM_000179.3(MSH6):c.3880del (p.Cys1294fs)

Gene: MSH6 (mutS homolog 6; plus strand). Cytogenetic location: 2p16.3.
Variant type: Deletion.
Coding change: c.3880del on transcript NM_000179.3 (MANE Select); coding-DNA position 3880, one base deleted (T; older notation c.3880delT).
Protein change: p.Cys1294fs; shifts the reading frame from cysteine 1294.
Molecular consequence: frameshift variant.
Genome position (GRCh38, 1-based): chr2:47,806,530, T deleted; the last of 2 consecutive T bases (chr2:47,806,529-47,806,530); deleting either gives the same sequence. VCF-style (leftmost placement, unchanged base first): chr2-47806528-CT-C. GRCh37 (hg19) VCF-style: chr2-48033667-CT-C.
Other names: c.3490del, p.Cys1164fs (NM_001281492.2); c.2974del, p.Cys992fs (NM_001281493.2, NM_001281494.2); short protein forms C1164fs, C1294fs, C992fs.
Identifiers: ClinVar variation 1048965 (VCV001048965.1), dbSNP rs2104557860, ClinGen allele CA2499216139.
Genomic context (GRCh38, chr2:47,806,528, plus strand): 5'-ATGAATGTGAAGACCCCAGCCAGGAGACTATTACGTTCCTCTATAAATTCATTAAGGGAG[CT>C]TGTCCTAAAAGCTATGGCTTTAATGCAGCAAGGCTTGCTAATCTCCCAGAGGAAGTTATT-3'

ClinVar aggregate classification (germline): Pathogenic (0 of 4 stars; one submission).

Submission:

Department of Pathology and Laboratory Medicine, Sinai Health System
Classification: Pathogenic. Review status: no assertion criteria provided. Collection method: clinical testing. Allele origin: unknown. Affected: yes. Observed: 2 variant alleles. Study: The Canadian Open Genetics Repository (COGR).
Comment: The MSH6 p.Cys1294Valfs*33 variant was not identified in the literature, nor was it identified in dbSNP, ClinVar, The 1000 Genome, the NHLBI Exome Sequencing Project, the Exome Aggregation Consortium, GeneInsight-COGR, Clinvitae, COSMIC, MutDB, UMD, Insight Colon Cancer Database, Zheijiang, MMR Database or the MMRUV â€šÃ„ÃºMismatch Repair Genes Variantâ€šÃ„Ã¹ databases. The c.3880delT variant is predicted to cause a frameshift, which alters the protein's amino acid sequence beginning at codon 1294 and leads to a premature stop codon 33 codons downstream. This alteration is then predicted to result in a truncated or absent protein and loss of function. Loss of function variants of the MSH6 gene are an established mechanism of disease in Lynch syndrome and this is the type of variant expected to cause the disorder. In summary, based on the above information, this variant meets our laboratoryâ€šÃ„Ã´s criteria to be classified as pathogenic.